The following is an entry in ClinVar:

NM_021800.3(DNAJC12):c.403A>G (p.Arg135Gly)

Gene: DNAJC12 (DnaJ heat shock protein family (Hsp40) member C12; minus strand). Cytogenetic location: 10q21.3.
Variant type: single nucleotide variant.
Coding change: c.403A>G on transcript NM_021800.3 (MANE Select); coding-DNA position 403, A replaced by G.
Protein change: p.Arg135Gly; replaces arginine 135 with glycine.
Molecular consequence: missense variant.
Genome position (GRCh38, 1-based): chr10:67,805,682, T>C on the plus strand (A>G on the coding strand, the complement: DNAJC12 is on the minus strand). VCF-style: chr10-67805682-T-C. GRCh37 (hg19) VCF-style: chr10-69565440-T-C.
Other names: short protein forms R135G.
Identifiers: ClinVar variation 2120426 (VCV002120426.4), dbSNP rs1841793207, ClinGen allele CA377103143.
Genomic context (GRCh38, chr10:67,805,682, plus strand): 5'-GGGGCTTGGGTTCTTTCTGCTCCGTTTTCTCTGCGGTTGAAGCCAGCTCCTCTTTCTTTC[T>C]TTCTCTTTGCTCATTACATTCCTCATTTTCCATCTTGGTGGTATGAGTCTTGTCAGATTC-3'
Protein context (NP_068572.1, residues 125-145): ENEECNEQRE[Arg135Gly]KKEELASTAE

ClinVar aggregate classification (germline): Uncertain significance (1 of 4 stars; one submission).

Allele frequency attached by ClinVar (database versions not stated): gnomAD exomes below 0.00001.
gnomAD v4.1: 1 of 1,613,956 alleles (0.000062%); highest among the groups gnomAD compares: African/African-American, 0.0013%; no homozygotes.

Submission:

Labcorp Genetics (formerly Invitae), Labcorp
Classification: Uncertain significance. Last evaluated: 2022-04-01. Review status: criteria provided, single submitter. Criteria: Invitae Variant Classification Sherloc (09022015). Collection method: clinical testing. Allele origin: germline.
Comment: This sequence change replaces arginine, which is basic and polar, with glycine, which is neutral and non-polar, at codon 135 of the DNAJC12 protein (p.Arg135Gly). This variant is not present in population databases (gnomAD no frequency). This variant has not been reported in the literature in individuals affected with DNAJC12-related conditions. Algorithms developed to predict the effect of missense changes on protein structure and function (SIFT, PolyPhen-2, Align-GVGD) all suggest that this variant is likely to be tolerated. In summary, the available evidence is currently insufficient to determine the role of this variant in disease. Therefore, it has been classified as a Variant of Uncertain Significance.